The following is an entry in ClinVar:

NM_001110219.3(GJB6):c.607A>G (p.Met203Val)

Gene: GJB6 (gap junction protein beta 6; minus strand). Cytogenetic location: 13q12.11.
Variant type: single nucleotide variant.
Coding change: c.607A>G on transcript NM_001110219.3 (MANE Select); coding-DNA position 607, A replaced by G.
Protein change: p.Met203Val; replaces methionine 203 with valine.
Molecular consequence: missense variant.
Genome position (GRCh38, 1-based): chr13:20,222,874, T>C on the plus strand (A>G on the coding strand, the complement: GJB6 is on the minus strand). VCF-style: chr13-20222874-T-C. GRCh37 (hg19) VCF-style: chr13-20797013-T-C.
Other names: c.607A>G, p.Met203Val (NM_001110220.3, NM_001110221.3, NM_001370090.1 and 3 more transcripts); c.607A>G (NM_001110219.2); short protein forms M203V.
Identifiers: ClinVar variation 45505 (VCV000045505.17), dbSNP rs200674715, ClinGen allele CA136466.

ClinVar aggregate classification (germline): Benign/Likely benign. Review status: criteria provided, multiple submitters, no conflicts (2 of 4 stars). 6 submissions from 6 submitters: Benign (4); Likely benign (1). 1 of the submissions does not count toward it. Last evaluated 2026-01-12.

Conditions:
GJB6-related disorder. Also called: GJB6-related disorders.
Autosomal dominant nonsyndromic hearing loss 3B. Identifiers: Orphanet 90635, MedGen C2675237, MONDO:0012975, OMIM 612643.
Autosomal recessive nonsyndromic hearing loss 1A (DFNB1A). Also called: GJB6-Related DFNB 1 Nonsyndromic Hearing Loss and Deafness; Deafness, autosomal recessive 1A; Nonsyndromic Hearing Loss and Deafness, DFNB1; GJB2-Related Autosomal Recessive Nonsyndromic Hearing Loss; Connexin 26 deafness; Deafness nonsyndromic, Connexin 26 linked. Identifiers: Orphanet 90636, MedGen C2673759, MONDO:0009076, OMIM 220290.
Hidrotic ectodermal dysplasia syndrome (GJB6). Also called: Ectodermal dysplasia 2, hidrotic; Autosomal dominant hidrotic ectodermal dysplasia; Clouston syndrome; Clouston's hidrotic ectodermal dysplasia; Hidrotic ectodermal dysplasia; CLOUSTON HIDROTIC ECTODERMAL DYSPLASIA. Identifiers: Orphanet 189, MedGen C0162361, MONDO:0007510, OMIM 129500.
Autosomal recessive nonsyndromic hearing loss 1B. Also called: DEAFNESS, AUTOSOMAL RECESSIVE 1B. Identifiers: Orphanet 90636, MedGen C2675235, MONDO:0012977, OMIM 612645.

Allele frequency attached by ClinVar (database versions not stated): TOPMed 0.00016; ESP Exome Variant Server 0.00031; gnomAD exomes 0.00042 and 0.00074; ExAC 0.00061; gnomAD 0.00082 and 0.00086.
gnomAD v4.1: 724 of 1,614,076 alleles (0.045%); highest among the groups gnomAD compares: Non-Finnish European, 0.032%; 3 homozygotes.

Submissions (6):

Labcorp Genetics (formerly Invitae), Labcorp
Classification: Benign for Autosomal dominant nonsyndromic hearing loss 3B; Hidrotic ectodermal dysplasia syndrome; Autosomal recessive nonsyndromic hearing loss 1B; Autosomal recessive nonsyndromic hearing loss 1A. Last evaluated: 2026-01-12. Review status: criteria provided, single submitter. Criteria: Invitae Variant Classification Sherloc (09022015). Collection method: clinical testing. Allele origin: germline.

Blueprint Genetics
Classification: Benign. Last evaluated: 2024-11-07. Review status: criteria provided, single submitter. Criteria: ACMG Guidelines, 2015. Collection method: clinical testing. Allele origin: germline.

Women's Health and Genetics/Laboratory Corporation of America, LabCorp
Classification: Benign. Last evaluated: 2022-03-07. Review status: criteria provided, single submitter. Criteria: LabCorp Variant Classification Summary - May 2015. Collection method: clinical testing. Allele origin: germline.
Comment: Variant summary: GJB6 c.607A>G (p.Met203Val) results in a conservative amino acid change in the encoded protein sequence. Three of five in-silico tools predict a benign effect of the variant on protein function. The variant allele was found at a frequency of 0.00074 in 251404 control chromosomes in the gnomAD database, including 1 homozygote. The observed variant frequency is approximately 4700 fold of the estimated maximal expected allele frequency for a pathogenic variant in GJB6 causing Hidrotic Ectodermal Dysplasia Syndrome phenotype (1.6e-07), strongly suggesting that the variant is benign. Two clinical diagnostic laboratories have submitted clinical-significance assessments for this variant to ClinVar after 2014 without evidence for independent evaluation. All laboratories classified the variant as benign. Based on the evidence outlined above, the variant was classified as benign.

Mendelics
Classification: Benign for Hidrotic ectodermal dysplasia syndrome. Last evaluated: 2019-05-28. Review status: criteria provided, single submitter. Criteria: Mendelics Assertion Criteria 2017. Collection method: clinical testing. Allele origin: unknown.

Laboratory for Molecular Medicine, Mass General Brigham Personalized Medicine
Classification: Likely benign. Last evaluated: 2011-08-22. Review status: criteria provided, single submitter. Criteria: LMM Criteria. Collection method: clinical testing. Allele origin: germline. Observed: 2 variant alleles.
Comment: Met203Val in exon 3 of GJB6: This variant is not expected to have clinical signi ficance. It has been identified in 1% (2/214) of a population studied for suscep tibility to noise, but did not include childhood hearing loss patients (Carlsson 2007). In addition, this variant is not conserved across all species and comput ational analyses (biochemical amino acid properties, PolyPhen2, SIFT, AlignGVGD) do not predict an impact to the protein.

PreventionGenetics, part of Exact Sciences
Classification: Likely benign for GJB6-related condition. Last evaluated: 2019-12-11. Review status: no assertion criteria provided. Collection method: clinical testing. Allele origin: germline. Not counted in ClinVar's aggregate classification.
Comment: This variant is classified as likely benign based on ACMG/AMP sequence variant interpretation guidelines (Richards et al. 2015 PMID: 25741868, with internal and published modifications).